The following is an entry in ClinVar:

NM_025137.4(SPG11):c.4252del (p.Met1418fs)

Genes: SPG11 (SPG11 vesicle trafficking associated, spatacsin; minus strand), LOC130056973 (ATAC-STARR-seq lymphoblastoid active region 9341; plus strand). Cytogenetic location: 15q21.1.
Variant type: Deletion.
Coding change: c.4252del on transcript NM_025137.4 (MANE Select); coding-DNA position 4252, one base deleted (A; older notation c.4252delA).
Protein change: p.Met1418fs; shifts the reading frame from methionine 1418.
Molecular consequence: frameshift variant.
Genome position (GRCh38, 1-based): chr15:44,596,265, T deleted on the plus strand (A on the coding strand, the reverse complement: SPG11 is on the minus strand); the first of 4 consecutive T bases (chr15:44,596,265-44,596,268); deleting any one gives the same sequence. VCF-style (leftmost placement, unchanged base first): chr15-44596264-AT-A. GRCh37 (hg19) VCF-style: chr15-44888462-AT-A.
Other names: c.4252del, p.Met1418fs (NM_001160227.2, NM_001411132.1); short protein forms M1418fs.
Identifiers: ClinVar variation 2910373 (VCV002910373.3), dbSNP rs2505370912, ClinGen allele CA2628203884.

ClinVar aggregate classification (germline): Pathogenic (1 of 4 stars; one submission).

Conditions:
Hereditary spastic paraplegia 11. Also called: Nakamura Osame syndrome; Autosomal recessive hereditary spastic paraplegia, mental impairment, and thin corpus callosum; SPASTIC PARAPLEGIA, AUTOSOMAL RECESSIVE, COMPLICATED, WITH THIN CORPUS CALLOSUM; SPASTIC PARAPLEGIA, AUTOSOMAL RECESSIVE, WITH MENTAL IMPAIRMENT AND THIN CORPUS CALLOSUM; Spastic paraplegia, mental retardation and thin corpus callosum; Spastic Paraplegia 11. Identifiers: Orphanet 2822, MedGen C1858479, MONDO:0011445, OMIM 604360.

Submission:

Labcorp Genetics (formerly Invitae), Labcorp
Classification: Pathogenic for Hereditary spastic paraplegia 11. Last evaluated: 2023-11-21. Review status: criteria provided, single submitter. Criteria: Invitae Variant Classification Sherloc (09022015). Collection method: clinical testing. Allele origin: germline.
Comment: This sequence change creates a premature translational stop signal (p.Met1418Trpfs*21) in the SPG11 gene. It is expected to result in an absent or disrupted protein product. Loss-of-function variants in SPG11 are known to be pathogenic (PMID: 19105190, 20110243, 22154821, 26556829). This variant is not present in population databases (gnomAD no frequency). This premature translational stop signal has been observed in individual(s) with spastic ataxia (PMID: 29482223). For these reasons, this variant has been classified as Pathogenic.

Literature cited by the submitters: PubMed 19105190; PubMed 20110243; PubMed 22154821; PubMed 26556829; PubMed 29482223.